The following is an entry in ClinVar:

NM_000448.3(RAG1):c.2861G>T (p.Gly954Val)

Gene: RAG1 (recombination activating 1; plus strand). Cytogenetic location: 11p12.
Variant type: single nucleotide variant.
Coding change: c.2861G>T on transcript NM_000448.3 (MANE Select); coding-DNA position 2861, G replaced by T.
Protein change: p.Gly954Val; replaces glycine 954 with valine.
Molecular consequence: missense variant.
Genome position (GRCh38, 1-based): chr11:36,576,165, G>T. VCF-style: chr11-36576165-G-T. GRCh37 (hg19) VCF-style: chr11-36597715-G-T.
Other names: c.2861G>T, p.Gly954Val (NM_001377277.1, NM_001377278.1, NM_001377279.1 and 1 more transcripts); short protein forms G954V.
Identifiers: ClinVar variation 852186 (VCV000852186.7), dbSNP rs1850847509, ClinGen allele CA380135636.
Genomic context (GRCh38, chr11:36,576,165, plus strand): 5'-AAATCACCAATTATTTTCACAAAACCCTGGCCCATGTTCCTGAAATTATTGAGAGGGATG[G>T]CTCCATTGGGGCATGGGCAAGTGAGGGAAATGAGTCTGGTAACAAACTGTTTAGGCGCTT-3'
Protein context (NP_000439.2, residues 944-964): AHVPEIIERD[Gly954Val]SIGAWASEGN

ClinVar aggregate classification (germline): Uncertain significance (1 of 4 stars; one submission).

Conditions:
Combined immunodeficiency with skin granulomas. Identifiers: Orphanet 157949, MedGen C2673536, MONDO:0009306, OMIM 233650.
Severe combined immunodeficiency, autosomal recessive, T cell-negative, B cell-negative, NK cell-positive. Also called: SCID, T CELL-NEGATIVE, B CELL-NEGATIVE, NK CELL-POSITIVE; SCID, AR, T-cell negative, B-cell negative, NK cell-positive; Severe combined immunodeficiency due to complete RAG1/2 deficiency. Identifiers: Orphanet 331206, MedGen C1832322, MONDO:0011086, OMIM 601457.

Submission:

Labcorp Genetics (formerly Invitae), Labcorp
Classification: Uncertain significance for Combined immunodeficiency with skin granulomas; Severe combined immunodeficiency, autosomal recessive, T cell-negative, B cell-negative, NK cell-positive. Last evaluated: 2021-09-01. Review status: criteria provided, single submitter. Criteria: Invitae Variant Classification Sherloc (09022015). Collection method: clinical testing. Allele origin: germline.
Comment: This sequence change replaces glycine with valine at codon 954 of the RAG1 protein (p.Gly954Val). The glycine residue is highly conserved and there is a moderate physicochemical difference between glycine and valine. This variant is not present in population databases (ExAC no frequency). This variant has not been reported in the literature in individuals affected with RAG1-related conditions. Algorithms developed to predict the effect of missense changes on protein structure and function are either unavailable or do not agree on the potential impact of this missense change (SIFT: "Deleterious"; PolyPhen-2: "Probably Damaging"; Align-GVGD: "Class C0"). In summary, the available evidence is currently insufficient to determine the role of this variant in disease. Therefore, it has been classified as a Variant of Uncertain Significance.